The following is an entry in ClinVar:

NM_000493.4(COL10A1):c.745C>T (p.Pro249Ser)

Genes: COL10A1 (collagen type X alpha 1 chain; minus strand), NT5DC1 (5'-nucleotidase domain containing 1; plus strand). Cytogenetic location: 6q22.1.
Variant type: single nucleotide variant.
Coding change: c.745C>T on transcript NM_000493.4 (MANE Select); coding-DNA position 745, C replaced by T.
Protein change: p.Pro249Ser; replaces proline 249 with serine.
Molecular consequence: missense variant. On other transcripts: intron variant (1).
Genome position (GRCh38, 1-based): chr6:116,121,371, G>A on the plus strand (C>T on the coding strand, the complement: COL10A1 is on the minus strand). VCF-style: chr6-116121371-G-A. GRCh37 (hg19) VCF-style: chr6-116442534-G-A.
Other names: c.745C>T, p.Pro249Ser (NM_001424106.1, NM_001424107.1); c.529+3426G>A (NM_152729.3); short protein forms P249S.
Identifiers: ClinVar variation 2807571 (VCV002807571.3), dbSNP rs1237475699, ClinGen allele CA365393126.

ClinVar aggregate classification (germline): Uncertain significance (1 of 4 stars; one submission).

Allele frequency attached by ClinVar (database versions not stated): gnomAD exomes below 0.00001.
gnomAD v4.1: 1 of 1,614,098 alleles (0.000062%); highest among the groups gnomAD compares: South Asian, 0.0011%; no homozygotes.

Submission:

Labcorp Genetics (formerly Invitae), Labcorp
Classification: Uncertain significance. Last evaluated: 2023-03-13. Review status: criteria provided, single submitter. Criteria: Invitae Variant Classification Sherloc (09022015). Collection method: clinical testing. Allele origin: germline.
Comment: This sequence change replaces proline, which is neutral and non-polar, with serine, which is neutral and polar, at codon 249 of the COL10A1 protein (p.Pro249Ser). This variant is present in population databases (no rsID available, gnomAD 0.003%). This variant has not been reported in the literature in individuals affected with COL10A1-related conditions. Advanced modeling of protein sequence and biophysical properties (such as structural, functional, and spatial information, amino acid conservation, physicochemical variation, residue mobility, and thermodynamic stability) performed at Invitae indicates that this missense variant is not expected to disrupt COL10A1 protein function. In summary, the available evidence is currently insufficient to determine the role of this variant in disease. Therefore, it has been classified as a Variant of Uncertain Significance.